The following is an entry in ClinVar:

ClinVar aggregate classification (germline): Uncertain significance (1 of 4 stars; one submission).

Submission:

CeGaT Center for Human Genetics Tuebingen
Classification: Uncertain significance. Last evaluated: 2024-02-01. Review status: criteria provided, single submitter. Criteria: CeGaT Center For Human Genetics Tuebingen Variant Classification Criteria Version 2. Collection method: clinical testing. Allele origin: germline. Affected: yes. Observed: 1 variant allele.
Comment: SH3BP5-AS1: PM2

NM_004844.5(SH3BP5):c.932del (p.Val311fs)

Genes: SH3BP5 (SH3 domain binding protein 5; minus strand), SH3BP5-AS1 (SH3BP5 antisense RNA 1; plus strand). Cytogenetic location: 3p25.1.
Variant type: Deletion.
Coding change: c.932del on transcript NM_004844.5 (MANE Select); coding-DNA position 932, one base deleted (T; older notation c.932delT).
Protein change: p.Val311fs; shifts the reading frame from valine 311.
Molecular consequence: frameshift variant. On other transcripts: non-coding transcript variant (1).
Genome position (GRCh38, 1-based): chr3:15,257,071, A deleted on the plus strand (T on the coding strand, the reverse complement: SH3BP5 is on the minus strand). VCF-style (leftmost placement, unchanged base first): chr3-15257070-CA-C. GRCh37 (hg19) VCF-style: chr3-15298577-CA-C.
Other names: c.461del, p.Val154fs (NM_001018009.4); short protein forms V154fs, V311fs.
Identifiers: ClinVar variation 3027357 (VCV003027357.22), dbSNP rs2470219085, ClinGen allele CA2740094310.
Genomic context (GRCh38, chr3:15,257,070, plus strand): 5'-CGGGCTTGTTGGTCCTGAACTAAAGCTGGACACGGACTGGGTTTCCGAGTCATCTTCAGA[CA>C]CAAAGTTGCTACAGCTGTCATCTTCAAAGGCCTCCGAGGCCACTAAGTTGAGAGAGAACA-3'